The following is an entry in ClinVar:

NM_001127222.2(CACNA1A):c.1836dup (p.Ile613fs)

Gene: CACNA1A (calcium voltage-gated channel subunit alpha1 A; minus strand). Cytogenetic location: 19p13.13.
Variant type: Duplication.
Coding change: c.1836dup on transcript NM_001127222.2 (MANE Select); coding-DNA position 1836, one base duplicated (C; older notation c.1836dupC).
Protein change: p.Ile613fs; shifts the reading frame from isoleucine 613.
Molecular consequence: frameshift variant.
Genome position (GRCh38, 1-based): chr19:13,308,197, G duplicated on the plus strand (C on the coding strand, the reverse complement: CACNA1A is on the minus strand); the first of 2 consecutive G bases (chr19:13,308,197-13,308,198); duplicating either gives the same sequence. VCF-style (leftmost placement, unchanged base first): chr19-13308196-T-TG. GRCh37 (hg19) VCF-style: chr19-13419010-T-TG.
Other names: c.1839dup, p.Ile614fs (NM_000068.4, NM_001127221.2, NM_001174080.2 and 1 more transcripts); short protein forms I613fs, I614fs.
Identifiers: ClinVar variation 2944429 (VCV002944429.3), dbSNP rs2512947966, ClinGen allele CA2740091952.

ClinVar aggregate classification (germline): Pathogenic (1 of 4 stars; one submission).

Conditions:
Episodic ataxia type 2 (EA2). Also called: CEREBELLAR ATAXIA, PAROXYSMAL, ACETAZOLAMIDE-RESPONSIVE; CEREBELLOPATHY, HEREDITARY PAROXYSMAL; EPISODIC ATAXIA, NYSTAGMUS-ASSOCIATED; ACETAZOLAMIDE-RESPONSIVE HEREDITARY PAROXYSMAL CEREBELLAR ATAXIA; ATAXIA, EPISODIC, WITH NYSTAGMUS; ATAXIA, FAMILIAL PAROXYSMAL. Identifiers: Orphanet 97, MedGen C1720416, MONDO:0007163, OMIM 108500.
Developmental and epileptic encephalopathy, 42 (DEE42A). Also called: Epileptic encephalopathy, early infantile, 42; DEVELOPMENTAL AND EPILEPTIC ENCEPHALOPATHY 42A; EPILEPTIC ENCEPHALOPATHY, EARLY INFANTILE, 42A. Identifiers: MedGen C4310716, MONDO:0014917, OMIM 617106.

Submission:

Labcorp Genetics (formerly Invitae), Labcorp
Classification: Pathogenic for Developmental and epileptic encephalopathy, 42; Episodic ataxia type 2. Last evaluated: 2023-02-17. Review status: criteria provided, single submitter. Criteria: Invitae Variant Classification Sherloc (09022015). Collection method: clinical testing. Allele origin: germline.
Comment: This sequence change creates a premature translational stop signal (p.Ile614Hisfs*28) in the CACNA1A gene. It is expected to result in an absent or disrupted protein product. Loss-of-function variants in CACNA1A are known to be pathogenic (PMID: 10371528, 19486177, 25735478, 27250579). This variant is not present in population databases (gnomAD no frequency). This variant has not been reported in the literature in individuals affected with CACNA1A-related conditions. For these reasons, this variant has been classified as Pathogenic.

Literature cited by the submitters: PubMed 10371528; PubMed 19486177; PubMed 25735478; PubMed 27250579.